The following is an entry in ClinVar:

NM_152783.5(D2HGDH):c.915G>A (p.Glu305=)

Gene: D2HGDH (D-2-hydroxyglutarate dehydrogenase; plus strand). Cytogenetic location: 2q37.3.
Variant type: single nucleotide variant.
Coding change: c.915G>A on transcript NM_152783.5 (MANE Select); coding-DNA position 915, G replaced by A.
Protein change: p.Glu305=; no amino-acid change (glutamic acid 305 retained).
Molecular consequence: synonymous variant.
Genome position (GRCh38, 1-based): chr2:241,750,212, G>A. VCF-style: chr2-241750212-G-A. GRCh37 (hg19) VCF-style: chr2-242689627-G-A.
Other names: c.513G>A, p.Glu171= (NM_001287249.2); c.354G>A, p.Glu118= (NM_001352824.2).
Identifiers: ClinVar variation 3032094 (VCV003032094.2), dbSNP rs768485205, ClinGen allele CA2221840.

ClinVar aggregate classification (germline): Likely benign (0 of 4 stars; one submission).

Conditions:
D2HGDH-related disorder. Also called: D2HGDH-related condition.

Allele frequency attached by ClinVar (database versions not stated): ExAC 0.00001; gnomAD exomes 0.00001; TOPMed 0.00001.
gnomAD v4.1: 10 of 1,614,104 alleles (0.00062%); highest among the groups gnomAD compares: Middle Eastern, 0.017%; no homozygotes.

Submission:

PreventionGenetics, part of Exact Sciences
Classification: Likely benign for D2HGDH-related condition. Last evaluated: 2022-12-12. Review status: no assertion criteria provided. Collection method: clinical testing. Allele origin: germline.
Comment: This variant is classified as likely benign based on ACMG/AMP sequence variant interpretation guidelines (Richards et al. 2015 PMID: 25741868, with internal and published modifications).